The following is an entry in ClinVar:

ClinVar aggregate classification (germline): Uncertain significance (1 of 4 stars; one submission).

Conditions:
Oto-palato-digital syndrome, type II (OPD2). Also called: FACIOPALATOOSSEOUS SYNDROME; OPD II SYNDROME; Otopalatodigital Syndrome, Type II; Otopalatodigital Syndrome Type 2 (FLNA-OPD2). Identifiers: Orphanet 669, Orphanet 90652, MedGen C1844696, MONDO:0010571, OMIM 304120.
Heterotopia, periventricular, X-linked dominant (PVNH1). Also called: PERIVENTRICULAR NODULAR HETEROTOPIA 1; X-linked periventricular heterotopia; PERIVENTRICULAR NODULAR HETEROTOPIA 4; HETEROTOPIA, PERIVENTRICULAR, 1. Identifiers: Orphanet 2149, Orphanet 82004, MedGen C1848213, MONDO:0010233, OMIM 300049.
Frontometaphyseal dysplasia (FMD1). Identifiers: Orphanet 1826, MedGen C0265293, MONDO:0015942.
Melnick-Needles syndrome (MNS). Also called: MELNICK-NEEDLES OSTEODYSPLASTY; OSTEODYSPLASTY OF MELNICK AND NEEDLES; Melnick-Needles Syndrome (FLNA-MNS). Identifiers: Orphanet 2484, MedGen C0025237, MONDO:0010650, OMIM 309350.

Submission:

Labcorp Genetics (formerly Invitae), Labcorp
Classification: Uncertain significance for Oto-palato-digital syndrome, type II; Heterotopia, periventricular, X-linked dominant; Frontometaphyseal dysplasia; Melnick-Needles syndrome. Last evaluated: 2023-04-29. Review status: criteria provided, single submitter. Criteria: Invitae Variant Classification Sherloc (09022015). Collection method: clinical testing. Allele origin: germline.
Comment: In summary, the available evidence is currently insufficient to determine the role of this variant in disease. Therefore, it has been classified as a Variant of Uncertain Significance. Advanced modeling of protein sequence and biophysical properties (such as structural, functional, and spatial information, amino acid conservation, physicochemical variation, residue mobility, and thermodynamic stability) performed at Invitae indicates that this missense variant is not expected to disrupt FLNA protein function. This variant has not been reported in the literature in individuals affected with FLNA-related conditions. This variant is not present in population databases (gnomAD no frequency). This sequence change replaces asparagine, which is neutral and polar, with lysine, which is basic and polar, at codon 1907 of the FLNA protein (p.Asn1907Lys).

NM_001110556.2(FLNA):c.5745C>G (p.Asn1915Lys)

Gene: FLNA (filamin A; minus strand). Cytogenetic location: Xq28.
Variant type: single nucleotide variant.
Coding change: c.5745C>G on transcript NM_001110556.2 (MANE Select); coding-DNA position 5745, C replaced by G.
Protein change: p.Asn1915Lys; replaces asparagine 1915 with lysine.
Molecular consequence: missense variant.
Genome position (GRCh38, 1-based): chrX:154,353,669, G>C on the plus strand (C>G on the coding strand, the complement: FLNA is on the minus strand). VCF-style: chrX-154353669-G-C. GRCh37 (hg19) VCF-style: chrX-153582037-G-C.
Other names: c.5721C>G, p.Asn1907Lys (NM_001456.4); short protein forms N1915K, N1907K.
Identifiers: ClinVar variation 2947292 (VCV002947292.3), dbSNP rs2067640047, ClinGen allele CA415199678.